The following is an entry in ClinVar:

NM_001042492.3(NF1):c.2208C>T (p.Asn736=)

Gene: NF1 (neurofibromin 1; plus strand). Cytogenetic location: 17q11.2.
Variant type: single nucleotide variant.
Coding change: c.2208C>T on transcript NM_001042492.3 (MANE Select); coding-DNA position 2208, C replaced by T.
Protein change: p.Asn736=; no amino-acid change (asparagine 736 retained).
Molecular consequence: synonymous variant.
Genome position (GRCh38, 1-based): chr17:31,226,641, C>T. VCF-style: chr17-31226641-C-T. GRCh37 (hg19) VCF-style: chr17-29553659-C-T.
Other names: c.2208C>T, p.Asn736= (NM_000267.4).
Identifiers: ClinVar variation 820864 (VCV000820864.13), dbSNP rs1597712710, ClinGen allele CA499443908.
Genomic context (GRCh38, chr17:31,226,641, plus strand): 5'-AGCAGATATCCGGTGTGGGGTGGATGAAGTGTCAGTGCATAACCTCTTGCCCAACTATAA[C>T]ACATTCATGGAGTTTGCCTCTGTCAGCAATATGATGTCAACAGGTAAATGTGAATAGTGG-3'
Protein context (NP_001035957.1, residues 726-746): VSVHNLLPNY[Asn736=]TFMEFASVSN

ClinVar aggregate classification (germline): Benign/Likely benign. Review status: criteria provided, multiple submitters, no conflicts (2 of 4 stars). 4 submissions from 4 submitters: Benign (1); Likely benign (3). Last evaluated 2026-05-18.

Conditions:
Neurofibromatosis, type 1 (NF1). Also called: NEUROFIBROMATOSIS, TYPE I, SOMATIC; Peripheral type neurofibromatosis; VON RECKLINGHAUSEN DISEASE; Neurofibromatosis, type I. Identifiers: Orphanet 636, MedGen C0027831, MONDO:0018975, OMIM 162200. Disease mechanism: loss of function.
Cardiovascular phenotype. Identifiers: MedGen CN230736.
Hereditary cancer-predisposing syndrome. Also called: Tumor predisposition; Hereditary Cancer Syndrome; Hereditary neoplastic syndrome; Neoplastic Syndromes, Hereditary. Identifiers: Orphanet 140162, MedGen C0027672, MeSH D009386, MONDO:0015356.

Allele frequency attached by ClinVar (database versions not stated): gnomAD exomes below 0.00001; TOPMed below 0.00001.
gnomAD v4.1: 1 of 1,613,872 alleles (0.000062%); highest among the groups gnomAD compares: Non-Finnish European, 0.000085%; no homozygotes.

Submissions (4):

Myriad Genetics, Inc.
Classification: Benign for Neurofibromatosis, type 1. Last evaluated: 2026-05-18. Review status: criteria provided, single submitter. Criteria: Myriad Autosomal Dominant, Autosomal Recessive and X-Linked Classification Criteria (2023). Collection method: clinical testing. Allele origin: unknown.
Comment: This variant is considered benign. This variant is a silent/synonymous amino acid change and it is not expected to impact splicing.

Labcorp Genetics (formerly Invitae), Labcorp
Classification: Likely benign for Neurofibromatosis, type 1. Last evaluated: 2025-10-01. Review status: criteria provided, single submitter. Criteria: Invitae Variant Classification Sherloc (09022015). Collection method: clinical testing. Allele origin: germline.

Genome-Nilou Lab
Classification: Likely benign for Neurofibromatosis, type 1. Last evaluated: 2022-03-15. Review status: criteria provided, single submitter. Criteria: ACMG Guidelines, 2015. Collection method: clinical testing. Allele origin: germline. Affected: no.

Ambry Genetics
Classification: Likely benign for Cardiovascular phenotype; Hereditary cancer-predisposing syndrome. Last evaluated: 2019-08-12. Review status: criteria provided, single submitter. Criteria: Ambry Variant Classification Scheme 2023. Collection method: clinical testing. Allele origin: germline.